The following is an entry in ClinVar:

ClinVar aggregate classification (germline): Uncertain significance (1 of 4 stars; one submission).

Conditions:
Ehlers-Danlos syndrome, dermatosparaxis type. Also called: Ehlers-Danlos syndrome, type VII, autosomal recessive; EDS VIIC; Dermatosparaxis. Identifiers: Orphanet 1901, MedGen C2700425, MONDO:0009161, OMIM 225410.

Submission:

Labcorp Genetics (formerly Invitae), Labcorp
Classification: Uncertain significance for Ehlers-Danlos syndrome, dermatosparaxis type. Last evaluated: 2022-02-21. Review status: criteria provided, single submitter. Criteria: Invitae Variant Classification Sherloc (09022015). Collection method: clinical testing. Allele origin: germline.
Comment: This sequence change replaces serine, which is neutral and polar, with phenylalanine, which is neutral and non-polar, at codon 864 of the ADAMTS2 protein (p.Ser864Phe). In summary, the available evidence is currently insufficient to determine the role of this variant in disease. Therefore, it has been classified as a Variant of Uncertain Significance. Algorithms developed to predict the effect of missense changes on protein structure and function (SIFT, PolyPhen-2, Align-GVGD) all suggest that this variant is likely to be disruptive. This variant has not been reported in the literature in individuals affected with ADAMTS2-related conditions. This variant is not present in population databases (gnomAD no frequency).

NM_014244.5(ADAMTS2):c.2591C>T (p.Ser864Phe)

Gene: ADAMTS2 (ADAM metallopeptidase with thrombospondin type 1 motif 2; minus strand). Cytogenetic location: 5q35.3.
Variant type: single nucleotide variant.
Coding change: c.2591C>T on transcript NM_014244.5 (MANE Select); coding-DNA position 2591, C replaced by T.
Protein change: p.Ser864Phe; replaces serine 864 with phenylalanine.
Molecular consequence: missense variant.
Genome position (GRCh38, 1-based): chr5:179,127,985, G>A on the plus strand (C>T on the coding strand, the complement: ADAMTS2 is on the minus strand). VCF-style: chr5-179127985-G-A. GRCh37 (hg19) VCF-style: chr5-178554986-G-A.
Other names: short protein forms S864F.
Identifiers: ClinVar variation 2100946 (VCV002100946.4), dbSNP rs2480165543, ClinGen allele CA362422820.
Genomic context (GRCh38, chr5:179,127,985, plus strand): 5'-GTCACCCAGGTCCCCAGCTTCGAGACCCCCTCACCTCCGCCACAGGGCTTGGAGCACGGA[G>A]ACCACTTCTTCAGGGCCCACTCGTAGACCACAGAGTCCTCTTCCAGGACGTTGTTGTCGT-3'
Protein context (NP_055059.2, residues 854-874): VVYEWALKKW[Ser864Phe]PCSKPCGGGS